The following is an entry in ClinVar:

NM_017763.6(RNF43):c.2243G>A (p.Ser748Asn)

Gene: RNF43 (ring finger protein 43; minus strand). Cytogenetic location: 17q22.
Variant type: single nucleotide variant.
Coding change: c.2243G>A on transcript NM_017763.6 (MANE Select); coding-DNA position 2243, G replaced by A.
Protein change: p.Ser748Asn; replaces serine 748 with asparagine.
Molecular consequence: missense variant.
Genome position (GRCh38, 1-based): chr17:58,357,533, C>T on the plus strand (G>A on the coding strand, the complement: RNF43 is on the minus strand). VCF-style: chr17-58357533-C-T. GRCh37 (hg19) VCF-style: chr17-56434894-C-T.
Other names: c.1862G>A, p.Ser621Asn (NM_001305545.2); c.2243G>A, p.Ser748Asn (NM_001305544.3); c.2243G>A (NM_017763.4); short protein forms S748N, S621N.
Identifiers: ClinVar variation 1412506 (VCV001412506.9), dbSNP rs1972712217, ClinGen allele CA400385644.

ClinVar aggregate classification (germline): Uncertain significance. Review status: criteria provided, multiple submitters, no conflicts (2 of 4 stars). 2 submissions from 2 submitters: Uncertain significance (2). Last evaluated 2025-12-22.

Allele frequency attached by ClinVar (database versions not stated): gnomAD exomes below 0.00001; TOPMed below 0.00001.
gnomAD v4.1: 1 of 1,614,238 alleles (0.000062%); highest among the groups gnomAD compares: Non-Finnish European, 0.000085%; no homozygotes.

Submissions (2):

Ambry Genetics
Classification: Uncertain significance. Last evaluated: 2025-12-22. Review status: criteria provided, single submitter. Criteria: Ambry Variant Classification Scheme 2023. Collection method: clinical testing. Allele origin: germline.
Comment: The p.S748N variant (also known as c.2243G>A), located in coding exon 8 of the RNF43 gene, results from a G to A substitution at nucleotide position 2243. The serine at codon 748 is replaced by asparagine, an amino acid with highly similar properties. This amino acid position is conserved. In addition, this alteration is predicted to be tolerated by in silico analysis. Based on the available evidence, the clinical significance of this variant remains unclear.

Labcorp Genetics (formerly Invitae), Labcorp
Classification: Uncertain significance. Last evaluated: 2024-07-30. Review status: criteria provided, single submitter. Criteria: Invitae Variant Classification Sherloc (09022015). Collection method: clinical testing. Allele origin: germline.
Comment: This sequence change replaces serine, which is neutral and polar, with asparagine, which is neutral and polar, at codon 748 of the RNF43 protein (p.Ser748Asn). This variant is not present in population databases (gnomAD no frequency). This variant has not been reported in the literature in individuals affected with RNF43-related conditions. ClinVar contains an entry for this variant (Variation ID: 1412506). An algorithm developed to predict the effect of missense changes on protein structure and function outputs the following: PolyPhen-2: "Benign". The asparagine amino acid residue is found in multiple mammalian species, which suggests that this missense change does not adversely affect protein function. In summary, the available evidence is currently insufficient to determine the role of this variant in disease. Therefore, it has been classified as a Variant of Uncertain Significance.